The following is an entry in ClinVar:

NM_006612.6(KIF1C):c.1020-2A>G

Gene: KIF1C (kinesin family member 1C; plus strand). Cytogenetic location: 17p13.2.
Variant type: single nucleotide variant.
Coding change: c.1020-2A>G on transcript NM_006612.6 (MANE Select); the canonical splice acceptor site of the intron before coding-DNA position 1020, A replaced by G.
Molecular consequence: splice acceptor variant.
Genome position (GRCh38, 1-based): chr17:5,004,853, A>G. VCF-style: chr17-5004853-A-G. GRCh37 (hg19) VCF-style: chr17-4908148-A-G.
Identifiers: ClinVar variation 3256747 (VCV003256747.1).

ClinVar aggregate classification (germline): Likely pathogenic (0 of 4 stars; one submission).

Conditions:
Spastic ataxia 2. Also called: Ataxia, spastic, 2, autosomal recessive. Identifiers: Orphanet 397946, MedGen C1969796, MONDO:0012651, OMIM 611302.

Submission:

Solve-RD Consortium
Classification: Likely pathogenic for Spastic ataxia 2. Last evaluated: 2022-06-01. Review status: no assertion criteria provided. Collection method: provider interpretation. Allele origin: inherited. Affected: yes.
Comment: Variant confirmed as disease-causing by referring clinical team

Variant identified during reanalysis of unsolved cases by the Solve-RD project. The Solve-RD project has received funding from the European Union’s Horizon 2020 research and innovation programme under grant agreement No 779257.

Literature cited by the submitters: PubMed 39825153.